The following is an entry in ClinVar:

ClinVar aggregate classification (germline): Uncertain significance (1 of 4 stars; one submission).

Conditions:
Multiple sulfatase deficiency (MSD). Also called: Mucosulfatidosis; Multiple Sulfatase Deficiency Disease; Sulfatidosis, Juvenile, Austin Type. Identifiers: Orphanet 585, MedGen C0268263, MONDO:0010088, OMIM 272200.

Allele frequency attached by ClinVar (database versions not stated): TOPMed below 0.00001.

Submission:

Labcorp Genetics (formerly Invitae), Labcorp
Classification: Uncertain significance for Multiple sulfatase deficiency. Last evaluated: 2022-08-19. Review status: criteria provided, single submitter. Criteria: Invitae Variant Classification Sherloc (09022015). Collection method: clinical testing. Allele origin: germline.
Comment: This sequence change replaces proline, which is neutral and non-polar, with serine, which is neutral and polar, at codon 106 of the SUMF1 protein (p.Pro106Ser). This variant is present in population databases (no rsID available, gnomAD 0.009%). This variant has not been reported in the literature in individuals affected with SUMF1-related conditions. Algorithms developed to predict the effect of missense changes on protein structure and function are either unavailable or do not agree on the potential impact of this missense change (SIFT: "Deleterious"; PolyPhen-2: "Probably Damaging"; Align-GVGD: "Class C0"). In summary, the available evidence is currently insufficient to determine the role of this variant in disease. Therefore, it has been classified as a Variant of Uncertain Significance.

NM_182760.4(SUMF1):c.316C>T (p.Pro106Ser)

Gene: SUMF1 (sulfatase modifying factor 1; minus strand). Cytogenetic location: 3p26.1.
Variant type: single nucleotide variant.
Coding change: c.316C>T on transcript NM_182760.4 (MANE Select); coding-DNA position 316, C replaced by T.
Protein change: p.Pro106Ser; replaces proline 106 with serine.
Molecular consequence: missense variant.
Genome position (GRCh38, 1-based): chr3:4,453,004, G>A on the plus strand (C>T on the coding strand, the complement: SUMF1 is on the minus strand). VCF-style: chr3-4453004-G-A. GRCh37 (hg19) VCF-style: chr3-4494688-G-A.
Other names: c.316C>T, p.Pro106Ser (NM_001164674.2, NM_001164675.2); short protein forms P106S.
Identifiers: ClinVar variation 2418729 (VCV002418729.2), dbSNP rs1373856167, ClinGen allele CA351793353.